The following is an entry in ClinVar:

NM_004415.4(DSP):c.4973C>T (p.Ser1658Phe)

Gene: DSP (desmoplakin; plus strand). Cytogenetic location: 6p24.3.
Variant type: single nucleotide variant.
Coding change: c.4973C>T on transcript NM_004415.4 (MANE Select); coding-DNA position 4973, C replaced by T.
Protein change: p.Ser1658Phe; replaces serine 1658 with phenylalanine.
Molecular consequence: missense variant. On other transcripts: intron variant (2).
Genome position (GRCh38, 1-based): chr6:7,581,163, C>T. VCF-style: chr6-7581163-C-T. GRCh37 (hg19) VCF-style: chr6-7581396-C-T.
Other names: c.4973C>T (LRG_423t1, NM_004415.3); c.4050+923C>T (NM_001319034.2); c.3582+1391C>T (NM_001008844.3); short protein forms S1658F.
Identifiers: ClinVar variation 180332 (VCV000180332.19), dbSNP rs202084959, ClinGen allele CA004223.
Genomic context (GRCh38, chr6:7,581,163, plus strand): 5'-ACGTGCTGGATGGCCACCTGAGGGAAAAGCAGAGGACCCAGGAAGAGCTGAGGAGGCTCT[C>T]TTCTGAGGTCGAGGCCCTGAGGCGGCAGTTACTCCAGGAACAGGAAAGTGTCAAACAAGC-3'
Protein context (NP_004406.2, residues 1648-1668): QRTQEELRRL[Ser1658Phe]SEVEALRRQL

ClinVar aggregate classification (germline): Conflicting classifications of pathogenicity. Review status: criteria provided, conflicting classifications (1 of 4 stars). 8 submissions from 8 submitters: Uncertain significance (7); Likely benign (1). Last evaluated 2026-06-09.

Conditions:
DSP-related disorder. Also called: DSP-related condition; DSP-related disorders.
Cardiomyopathy, dilated, with wooly hair, keratoderma, and tooth agenesis. Also called: Erythrokeratodermia-cardiomyopathy syndrome; Cardiomyopathy, dilated, with woolly hair, keratoderma, and tooth agenesis. Identifiers: Orphanet 476096, Orphanet 65282, MedGen C4014393, MONDO:0014355, OMIM 615821.
Cardiovascular phenotype. Identifiers: MedGen CN230736.
Arrhythmogenic cardiomyopathy with wooly hair and keratoderma. Also called: Carvajal syndrome; Dilated cardiomyopathy with woolly hair and keratoderma; PALMOPLANTAR KERATODERMA WITH LEFT VENTRICULAR CARDIOMYOPATHY AND WOOLLY HAIR; Arrhythmogenic cardiomyopathy with woolly hair and keratoderma. Identifiers: Orphanet 65282, MedGen C1854063, MONDO:0011581, OMIM 605676.
Arrhythmogenic right ventricular dysplasia 8 (ARVD8). Also called: Arrhythmogenic Right Ventricular Dysplasia/Cardiomyopathy 8; ARRHYTHMOGENIC RIGHT VENTRICULAR CARDIOMYOPATHY 8; ARRHYTHMOGENIC RIGHT VENTRICULAR DYSPLASIA, FAMILIAL, 8. Identifiers: MedGen C1843896, MONDO:0011831, OMIM 607450.
Cardiomyopathy (CMYO). Also called: Cardiomyopathies. Identifiers: Orphanet 167848, MedGen C0878544, MONDO:0004994, HP:0001638. Inheritance: Various modes of inheritance.

Allele frequency attached by ClinVar (database versions not stated): gnomAD exomes below 0.00001 and 0.00001; TOPMed below 0.00001; ExAC 0.00001.
gnomAD v4.1: 11 of 1,614,202 alleles (0.00068%); highest among the groups gnomAD compares: Non-Finnish European, 0.00093%; no homozygotes.

Submissions (8):

PreventionGenetics, part of Exact Sciences
Classification: Uncertain significance for DSP-related condition. Last evaluated: 2026-06-09. Review status: criteria provided, single submitter. Criteria: ACMG Guidelines, 2015. Collection method: clinical testing. Allele origin: germline.
Comment: The DSP c.4973C>T variant is predicted to result in the amino acid substitution p.Ser1658Phe. This variant was reported in the compound heterozygous state in two patients from an arrhythmogenic right ventricular cardiomyopathy (ARVC) cohort (Rigato et al. 2013. PubMed ID: 24070718). In a separate study assessing the pathogenicity and penetrance of various ARVC-related genes, the p.Ser1658Phe was listed as "questioned." (Ye et al. 2019. PubMed ID: 31402444). This variant is reported in 0.00088% of alleles in individuals of European (Non-Finnish) descent in gnomAD. At this time, the clinical significance of this variant is uncertain due to the absence of conclusive functional and genetic evidence.

Color Diagnostics, LLC DBA Color Health
Classification: Uncertain significance for Cardiomyopathy. Last evaluated: 2025-07-22. Review status: criteria provided, single submitter. Criteria: ACMG Guidelines, 2015. Collection method: clinical testing. Allele origin: germline.
Comment: This missense variant replaces serine with phenylalanine at codon 1658 of the DSP protein. Computational prediction suggests that this variant may have a deleterious impact on protein structure and function. To our knowledge, functional studies have not been performed for this variant. This variant has been reported in an individual affected with arrhythmogenic right ventricular cardiomyopathy and sudden cardiac death (PMID: 24070718). This variant has been identified in 1/250690 chromosomes in the general population by the Genome Aggregation Database (gnomAD). The available evidence is insufficient to determine the role of this variant in disease conclusively. Therefore, this variant is classified as a Variant of Uncertain Significance.

Institute of Immunology and Genetics Kaiserslautern
Classification: Uncertain significance for Cardiomyopathy, dilated, with wooly hair, keratoderma, and tooth agenesis. Last evaluated: 2025-06-04. Review status: criteria provided, single submitter. Criteria: ACMG Guidelines, 2015. Collection method: clinical testing. Allele origin: germline. Affected: yes.
Comment: ACMG Criteria: PM2_P, PP3; Variant was found in heterozygous state.

Women's Health and Genetics/Laboratory Corporation of America, LabCorp
Classification: Uncertain significance. Last evaluated: 2024-12-04. Review status: criteria provided, single submitter. Criteria: LabCorp Variant Classification Summary - May 2015. Collection method: clinical testing. Allele origin: germline.
Comment: Variant summary: DSP c.4973C>T (p.Ser1658Phe) results in a non-conservative amino acid change in the encoded protein sequence. Three of five in-silico tools predict a damaging effect of the variant on protein function. The variant allele was found at a frequency of 4e-06 in 250690 control chromosomes. The available data on variant occurrences in the general population are insufficient to allow any conclusion about variant significance. c.4973C>T has been reported in the literature in at least one individual affected with arrhythmogenic right ventricular cardiomyopathy without evidence for causality (e.g. Rigato_2013). This report does not provide unequivocal conclusions about association of the variant with Arrhythmogenic Right Ventricular Dysplasia/Cardiomyopathy. To our knowledge, no experimental evidence demonstrating an impact on protein function has been reported. The following publication has been ascertained in the context of this evaluation (PMID: 24070718). ClinVar contains an entry for this variant (Variation ID: 180332). Based on the evidence outlined above, the variant was classified as uncertain significance.

Ambry Genetics
Classification: Likely benign for Cardiovascular phenotype. Last evaluated: 2024-11-27. Review status: criteria provided, single submitter. Criteria: Ambry Variant Classification Scheme 2023. Collection method: clinical testing. Allele origin: germline.

Labcorp Genetics (formerly Invitae), Labcorp
Classification: Uncertain significance for Arrhythmogenic cardiomyopathy with wooly hair and keratoderma; Arrhythmogenic right ventricular dysplasia 8. Last evaluated: 2024-04-13. Review status: criteria provided, single submitter. Criteria: Invitae Variant Classification Sherloc (09022015). Collection method: clinical testing. Allele origin: germline.
Comment: This sequence change replaces serine, which is neutral and polar, with phenylalanine, which is neutral and non-polar, at codon 1658 of the DSP protein (p.Ser1658Phe). This variant is present in population databases (rs202084959, gnomAD 0.0009%). This missense change has been observed in individual(s) with arrhythmogenic right ventricular cardiomyopathy (PMID: 24070718). ClinVar contains an entry for this variant (Variation ID: 180332). An algorithm developed to predict the effect of missense changes on protein structure and function (PolyPhen-2) suggests that this variant¬¨‚Ä†is likely to be tolerated. In summary, the available evidence is currently insufficient to determine the role of this variant in disease. Therefore, it has been classified as a Variant of Uncertain Significance.

AiLife Diagnostics
Classification: Uncertain significance. Last evaluated: 2021-11-03. Review status: criteria provided, single submitter. Criteria: ACMG Guidelines, 2015. Collection method: clinical testing. Allele origin: germline. Affected: yes. Observed: 1 variant allele.

Biesecker Lab/Clinical Genomics Section, National Institutes of Health
Classification: Uncertain significance. Last evaluated: 2013-06-24. Review status: criteria provided, single submitter. Criteria: Ng et al. (Circ Cardiovasc Genet. 2013). Collection method: research. Allele origin: unknown. Observed: 1 variant allele. Study: ClinSeq.
Comment: The study set was not selected for affection status in relation to any cancer. Pathogenicity categories were based on literature curation. See Pubmed ID:23861362 for details.

Medical sequencing

Literature cited by the submitters: PubMed 24070718 (cited by 5 submitters); PubMed 37418234 (cited by Ambry Genetics); PubMed 31402444 (cited by AiLife Diagnostics).